The following is an entry in ClinVar:

NM_000051.4(ATM):c.1920_1923del (p.Glu641fs)

Gene: ATM (ATM serine/threonine kinase; plus strand). Cytogenetic location: 11q22.3.
Variant type: Deletion.
Coding change: c.1920_1923del on transcript NM_000051.4 (MANE Select); coding-DNA positions 1920 to 1923, 4 bases deleted (AGAA; older notation c.1920_1923delAGAA).
Protein change: p.Glu641fs; shifts the reading frame from glutamic acid 641.
Molecular consequence: frameshift variant.
Genome position (GRCh38, 1-based): chr11:108,253,835-108,253,838, AGAA deleted; deleting any 4 consecutive bases within chr11:108,253,833-108,253,838 gives the same sequence; the c. name uses the placement nearest the transcript's 3' end. VCF-style (leftmost placement, unchanged base first): chr11-108253832-TAAAG-T. GRCh37 (hg19) VCF-style: chr11-108124559-TAAAG-T.
Other names: c.1920_1923delAGAA (NM_000051.3); c.1920_1923del, p.Glu641fs (NM_001351834.2); short protein forms E641fs.
Identifiers: ClinVar variation 481218 (VCV000481218.15), dbSNP rs1555073111, ClinGen allele CA658656178.
Genomic context (GRCh38, chr11:108,253,832, plus strand): 5'-TAGGTACTTGGTTTATATATTAAAGATCTTACTTTCTTGAAGTGAACACCACCAAAAAGA[TAAAG>T]AAGAACTTTCATTCTCAGAAGTAGAAGAACTATTTCTTCAGACAACTTTTGACAAGATGG-3'

ClinVar aggregate classification (germline): Pathogenic/Likely pathogenic. Review status: criteria provided, multiple submitters, no conflicts (2 of 4 stars). 5 submissions from 5 submitters: Pathogenic (4); Likely pathogenic (1). Last evaluated 2024-01-16.

Conditions:
Familial cancer of breast. Also called: BREAST CANCER, FAMILIAL; Hereditary breast cancer; hereditary breast carcinoma. Identifiers: Orphanet 227535, MedGen C0346153, MONDO:0016419, OMIM 114480. Disease mechanism: loss of function.
Hereditary cancer-predisposing syndrome. Also called: Hereditary neoplastic syndrome; Neoplastic Syndromes, Hereditary; Tumor predisposition; Hereditary Cancer Syndrome. Identifiers: Orphanet 140162, MedGen C0027672, MeSH D009386, MONDO:0015356.
Ataxia-telangiectasia syndrome (AT). Also called: LOUIS-BAR SYNDROME; Cerebello-oculocutaneous telangiectasia; Immunodeficiency with ataxia telangiectasia; AT, COMPLEMENTATION GROUP C; Ataxia-telangiectasia, complementation group D; ATAXIA-TELANGIECTASIA, COMPLEMENTATION GROUP A. Identifiers: Orphanet 100, MedGen C0004135, MONDO:0008840, OMIM 208900.

Submissions (5):

Myriad Genetics, Inc.
Classification: Pathogenic for Familial cancer of breast. Last evaluated: 2024-01-16. Review status: criteria provided, single submitter. Criteria: Myriad Autosomal Dominant, Autosomal Recessive and X-Linked Classification Criteria (2023). Collection method: clinical testing. Allele origin: unknown.
Comment: This variant is considered pathogenic. This variant creates a frameshift predicted to result in premature protein truncation.

Baylor Genetics
Classification: Likely pathogenic for Familial cancer of breast. Last evaluated: 2022-02-17. Review status: criteria provided, single submitter. Criteria: ACMG Guidelines, 2015. Collection method: clinical testing. Allele origin: unknown.

Color Diagnostics, LLC DBA Color Health
Classification: Pathogenic for Hereditary cancer-predisposing syndrome. Last evaluated: 2020-01-15. Review status: criteria provided, single submitter. Criteria: ACMG Guidelines, 2015. Collection method: clinical testing. Allele origin: germline.
Comment: This variant deletes 4 nucleotides in exon 13 of the ATM gene, creating a frameshift and premature translation stop signal. This variant is expected to result in an absent or non-functional protein product. This variant has not been identified in the general population by the Genome Aggregation Database (gnomAD). Loss of ATM function is a known mechanism of disease. Based on the available evidence, this variant is classified as Pathogenic.

Labcorp Genetics (formerly Invitae), Labcorp
Classification: Pathogenic for Ataxia-telangiectasia syndrome. Last evaluated: 2017-11-16. Review status: criteria provided, single submitter. Criteria: Invitae Variant Classification Sherloc (09022015). Collection method: clinical testing. Allele origin: germline.
Comment: This variant is not present in population databases (ExAC no frequency). This variant has not been reported in the literature in individuals with ATM-related disease. Loss-of-function variants in ATM are known to be pathogenic (PMID: 23807571, 25614872). For these reasons, this variant has been classified as Pathogenic. This sequence change creates a premature translational stop signal (p.Glu641Asnfs*7) in the ATM gene. It is expected to result in an absent or disrupted protein product.

Ambry Genetics
Classification: Pathogenic for Hereditary cancer-predisposing syndrome. Last evaluated: 2016-02-02. Review status: criteria provided, single submitter. Criteria: Ambry Variant Classification Scheme 2023. Collection method: clinical testing. Allele origin: germline.
Comment: The c.1920_1923delAGAA pathogenic mutation, located in coding exon 12 of the ATM gene, results from a deletion of 4 nucleotides between nucleotide positions 1920 and 1923, causing a translational frameshift with a predicted alternate stop codon. Since frameshifts are typically deleterious in nature, this alteration is interpreted as a disease-causing mutation (ACMG Recommendations for Standards for Interpretation and Reporting of Sequence Variations. Revision 2007. Genet Med. 2008;10:294).

Literature cited by the submitters: PubMed 23807571 (cited by Labcorp Genetics (formerly Invitae), Labcorp); PubMed 25614872 (cited by Labcorp Genetics (formerly Invitae), Labcorp).